The following is an entry in ClinVar:

ClinVar aggregate classification (germline): Uncertain significance (1 of 4 stars; one submission).

Conditions:
Early-infantile DEE. Also called: Early infantile epileptic encephalopathy with suppression bursts; Early infantile epileptic encephalopathy; Ohtahara syndrome. Identifiers: Orphanet 1934, MedGen C0393706, MONDO:0800491.

Allele frequency attached by ClinVar (database versions not stated): gnomAD exomes below 0.00001.
gnomAD v4.1: 1 of 1,613,626 alleles (0.000062%); highest among the groups gnomAD compares: Non-Finnish European, 0.000085%; no homozygotes.

Submission:

Labcorp Genetics (formerly Invitae), Labcorp
Classification: Uncertain significance for Early-infantile DEE. Last evaluated: 2024-01-06. Review status: criteria provided, single submitter. Criteria: Invitae Variant Classification Sherloc (09022015). Collection method: clinical testing. Allele origin: germline.
Comment: This sequence change replaces isoleucine, which is neutral and non-polar, with valine, which is neutral and non-polar, at codon 206 of the HCN1 protein (p.Ile206Val). This variant is present in population databases (no rsID available, gnomAD 0.0009%). This missense change has been observed in individual(s) with focal epilepsy (PMID: 30986657). ClinVar contains an entry for this variant (Variation ID: 461374). Advanced modeling of protein sequence and biophysical properties (such as structural, functional, and spatial information, amino acid conservation, physicochemical variation, residue mobility, and thermodynamic stability) performed at Invitae indicates that this missense variant is not expected to disrupt HCN1 protein function with a negative predictive value of 80%. In summary, the available evidence is currently insufficient to determine the role of this variant in disease. Therefore, it has been classified as a Variant of Uncertain Significance.

Literature cited by the submitters: PubMed 30986657.

NM_021072.4(HCN1):c.616A>G (p.Ile206Val)

Gene: HCN1 (hyperpolarization activated cyclic nucleotide gated potassium channel 1; minus strand). Cytogenetic location: 5p12.
Variant type: single nucleotide variant.
Coding change: c.616A>G on transcript NM_021072.4 (MANE Select); coding-DNA position 616, A replaced by G.
Protein change: p.Ile206Val; replaces isoleucine 206 with valine.
Molecular consequence: missense variant.
Genome position (GRCh38, 1-based): chr5:45,645,418, T>C on the plus strand (A>G on the coding strand, the complement: HCN1 is on the minus strand). VCF-style: chr5-45645418-T-C. GRCh37 (hg19) VCF-style: chr5-45645520-T-C.
Other names: short protein forms I206V.
Identifiers: ClinVar variation 461374 (VCV000461374.9), dbSNP rs1444972054, ClinGen allele CA359707510.